The following is an entry in ClinVar:

ClinVar aggregate classification (germline): Uncertain significance (1 of 4 stars; one submission).

Conditions:
Familial sleep-related hypermotor epilepsy. Also called: Autosomal Dominant Sleep-Related Hypermotor (Hyperkinetic) Epilepsy. Identifiers: Orphanet 98784, MedGen C3696898, MONDO:0000030.

Submission:

Labcorp Genetics (formerly Invitae), Labcorp
Classification: Uncertain significance. Last evaluated: 2023-09-06. Review status: criteria provided, single submitter. Criteria: Invitae Variant Classification Sherloc (09022015). Collection method: clinical testing. Allele origin: germline.
Comment: In summary, the available evidence is currently insufficient to determine the role of this variant in disease. Therefore, it has been classified as a Variant of Uncertain Significance. Advanced modeling of protein sequence and biophysical properties (such as structural, functional, and spatial information, amino acid conservation, physicochemical variation, residue mobility, and thermodynamic stability) performed at Invitae indicates that this missense variant is not expected to disrupt CHRNA2 protein function. This variant has not been reported in the literature in individuals affected with CHRNA2-related conditions. This variant is not present in population databases (gnomAD no frequency). This sequence change replaces cysteine, which is neutral and slightly polar, with tryptophan, which is neutral and slightly polar, at codon 425 of the CHRNA2 protein (p.Cys425Trp).

NM_000742.4(CHRNA2):c.1275T>G (p.Cys425Trp)

Gene: CHRNA2 (cholinergic receptor nicotinic alpha 2 subunit; minus strand). Cytogenetic location: 8p21.2.
Variant type: single nucleotide variant.
Coding change: c.1275T>G on transcript NM_000742.4 (MANE Select); coding-DNA position 1275, T replaced by G.
Protein change: p.Cys425Trp; replaces cysteine 425 with tryptophan.
Molecular consequence: missense variant.
Genome position (GRCh38, 1-based): chr8:27,463,168, A>C on the plus strand (T>G on the coding strand, the complement: CHRNA2 is on the minus strand). VCF-style: chr8-27463168-A-C. GRCh37 (hg19) VCF-style: chr8-27320685-A-C.
Other names: c.1230T>G, p.Cys410Trp (NM_001282455.2); c.798T>G, p.Cys266Trp (NM_001347705.2, NM_001347706.2); c.681T>G, p.Cys227Trp (NM_001347707.2, NM_001347708.2); short protein forms C227W, C410W, C266W, C425W.
Identifiers: ClinVar variation 2758507 (VCV002758507.3), dbSNP rs530383631, ClinGen allele CA370808993.
Genomic context (GRCh38, chr8:27,463,168, plus strand): 5'-CCCAGAGTGCAGGTGGCCGTGGCTGCAGAGGGTGCCCACAGAGGGGGCCACATGACCTGC[A>C]CATGCCCATCTGTCCTCCTCCTCCACCACCACCTCCCTCTCCTCGGCATCCACGTTGCTC-3'
Protein context (NP_000733.2, residues 415-435): VVVEEEDRWA[Cys425Trp]AGHVAPSVGT